The following is an entry in ClinVar:

NM_015046.7(SETX):c.6083G>A (p.Cys2028Tyr)

Gene: SETX (senataxin; minus strand). Cytogenetic location: 9q34.13.
Variant type: single nucleotide variant.
Coding change: c.6083G>A on transcript NM_015046.7 (MANE Select); coding-DNA position 6083, G replaced by A.
Protein change: p.Cys2028Tyr; replaces cysteine 2028 with tyrosine.
Molecular consequence: missense variant.
Genome position (GRCh38, 1-based): chr9:132,295,895, C>T on the plus strand (G>A on the coding strand, the complement: SETX is on the minus strand). VCF-style: chr9-132295895-C-T. GRCh37 (hg19) VCF-style: chr9-135171282-C-T.
Other names: c.6083G>A, p.Cys2028Tyr (NM_001351527.2, NM_001351528.2); short protein forms C2028Y.
Identifiers: ClinVar variation 2684371 (VCV002684371.1), dbSNP rs2538960449, ClinGen allele CA375341930.
Genomic context (GRCh38, chr9:132,295,895, plus strand): 5'-AACAAAAACAAATTTAAAATCCACAAAAGTATCATACCTAAAGGATTCTTCTTGTCTTTA[C>T]ATTTTTCTTTGAATTCAAGGATAATTTTTTTCATGAGTTCATCAACAGCTGCATTGGAAG-3'
Protein context (NP_055861.3, residues 2018-2038): KKIILEFKEK[Cys2028Tyr]KDKKNPLGNC

ClinVar aggregate classification (germline): Uncertain significance (1 of 4 stars; one submission).

gnomAD v4.1: 2 of 1,613,782 alleles (0.00012%); highest among the groups gnomAD compares: Middle Eastern, 0.016%; no homozygotes.

Submission:

Athena Diagnostics
Classification: Uncertain significance. Last evaluated: 2023-04-25. Review status: criteria provided, single submitter. Criteria: Athena Diagnostics Criteria. Collection method: clinical testing. Allele origin: unknown.
Comment: Available data are insufficient to determine the clinical significance of the variant at this time. This variant has not been reported in large, multi-ethnic general populations. Computational tools predict that this variant is damaging.